The following is an entry in ClinVar:

ClinVar aggregate classification (germline): Uncertain significance (1 of 4 stars; one submission).

Submission:

Women's Health and Genetics/Laboratory Corporation of America, LabCorp
Classification: Uncertain significance. Last evaluated: 2025-03-05. Review status: criteria provided, single submitter. Criteria: LabCorp Variant Classification Summary - May 2015. Collection method: clinical testing. Allele origin: germline.
Comment: Variant summary: CFTR c.3083T>C (p.Met1028Thr) results in a non-conservative amino acid change in the encoded protein sequence. Four of five in-silico tools predict a benign effect of the variant on protein function. The variant was absent in 251046 control chromosomes. The available data on variant occurrences in the general population are insufficient to allow any conclusion about variant significance. To our knowledge, no occurrence of c.3083T>C in individuals affected with Cystic Fibrosis and no experimental evidence demonstrating its impact on protein function have been reported. No submitters have cited clinical-significance assessments for this variant to ClinVar. Based on the evidence outlined above, the variant was classified as uncertain significance.

NM_000492.4(CFTR):c.3083T>C (p.Met1028Thr)

Genes: CFTR (CF transmembrane conductance regulator; plus strand), CFTR-AS2 (CFTR antisense RNA 2; minus strand), LOC111674472 (DNase I hypersensitive sites in introns 16 and 17a of CFTR; plus strand). Cytogenetic location: 7q31.2.
Variant type: single nucleotide variant.
Coding change: c.3083T>C on transcript NM_000492.4 (MANE Select); coding-DNA position 3083, T replaced by C.
Protein change: p.Met1028Thr; replaces methionine 1028 with threonine.
Molecular consequence: missense variant.
Genome position (GRCh38, 1-based): chr7:117,610,613, T>C. VCF-style: chr7-117610613-T-C. GRCh37 (hg19) VCF-style: chr7-117250667-T-C.
Other names: short protein forms M1028T.
Identifiers: ClinVar variation 3895819 (VCV003895819.1).